The following is an entry in ClinVar:

NM_173628.4(DNAH17):c.9653+8G>A

Gene: DNAH17 (dynein axonemal heavy chain 17; minus strand). Cytogenetic location: 17q25.3.
Variant type: single nucleotide variant.
Coding change: c.9653+8G>A on transcript NM_173628.4 (MANE Select); 8 bases into the intron after coding-DNA position 9653, G replaced by A.
Molecular consequence: intron variant.
Genome position (GRCh38, 1-based): chr17:78,459,776, C>T on the plus strand (G>A on the coding strand, the complement: DNAH17 is on the minus strand). VCF-style: chr17-78459776-C-T. GRCh37 (hg19) VCF-style: chr17-76455858-C-T.
Identifiers: ClinVar variation 3052179 (VCV003052179.2), dbSNP rs749911930, ClinGen allele CA8801245.

ClinVar aggregate classification (germline): Likely benign (0 of 4 stars; one submission).

Conditions:
DNAH17-related disorder. Also called: DNAH17-related condition.

Allele frequency attached by ClinVar (database versions not stated): TOPMed 0.00003; gnomAD 0.00005; ExAC 0.00007.
gnomAD v4.1: 80 of 1,613,764 alleles (0.005%); highest among the groups gnomAD compares: Non-Finnish European, 0.0054%; no homozygotes.

Submission:

PreventionGenetics, part of Exact Sciences
Classification: Likely benign for DNAH17-related condition. Last evaluated: 2020-01-27. Review status: no assertion criteria provided. Collection method: clinical testing. Allele origin: germline.
Comment: This variant is classified as likely benign based on ACMG/AMP sequence variant interpretation guidelines (Richards et al. 2015 PMID: 25741868, with internal and published modifications).